The following is an entry in ClinVar:

ClinVar aggregate classification (germline): Pathogenic/Likely pathogenic. Review status: criteria provided, multiple submitters, no conflicts (2 of 4 stars). 2 submissions from 2 submitters: Pathogenic (1); Likely pathogenic (1). Last evaluated 2025-04-15.

Conditions:
Hereditary cancer-predisposing syndrome. Also called: Neoplastic Syndromes, Hereditary; Hereditary Cancer Syndrome; Tumor predisposition; Hereditary neoplastic syndrome. Identifiers: Orphanet 140162, MedGen C0027672, MeSH D009386, MONDO:0015356.
Tumor predisposition syndrome 3 (TPDS3). Also called: Melanoma, cutaneous malignant, susceptibility to, 10; Glioma susceptibility 9; LONG TELOMERE SYNDROME, POT1-RELATED; POT1 Tumor Predisposition. Identifiers: Orphanet 618, MedGen C4014476, MONDO:0014368, OMIM 615848.

Allele frequency attached by ClinVar (database versions not stated): gnomAD exomes below 0.00001.
gnomAD v4.1: 3 of 1,603,832 alleles (0.00019%); highest among the groups gnomAD compares: Non-Finnish European, 0.00017%; no homozygotes.

Submissions (2):

Ambry Genetics
Classification: Likely pathogenic for Hereditary cancer-predisposing syndrome. Last evaluated: 2025-04-15. Review status: criteria provided, single submitter. Criteria: Ambry Variant Classification Scheme 2023. Collection method: clinical testing. Allele origin: germline.
Comment: The c.255+1G>A intronic variant results from a G to A substitution one nucleotide after coding exon 3 of the POT1 gene. This variant was identified in 1/167 Italian individuals with cutaneous melanoma who were CDKN2A/ARF- and CDK4-negative. RNA studies demonstrated that this alteration leads to skipping of coding exon 3 (Pastorino L et al. Cancers (Basel). 2020 04;12:). This nucleotide position is highly conserved in available vertebrate species. In silico splice site analysis predicts that this alteration will weaken the native splice donor site. RNA studies have demonstrated that this alteration results in abnormal splicing in the set of samples tested (Ambry internal data). Alterations that disrupt the canonical splice site are expected to cause aberrant splicing, resulting in an abnormal protein or a transcript that is subject to nonsense-mediated mRNA decay. As such, this alteration is classified as likely pathogenic.

Labcorp Genetics (formerly Invitae), Labcorp
Classification: Pathogenic for Tumor predisposition syndrome 3. Last evaluated: 2024-04-05. Review status: criteria provided, single submitter. Criteria: Invitae Variant Classification Sherloc (09022015). Collection method: clinical testing. Allele origin: germline.
Comment: This sequence change affects a donor splice site in intron 7 of the POT1 gene. RNA analysis indicates that disruption of this splice site induces altered splicing and may result in an absent or disrupted protein product. This variant is not present in population databases (gnomAD no frequency). Disruption of this splice site has been observed in individual(s) with multiple primary melanoma (PMID: 32325837; Invitae). ClinVar contains an entry for this variant (Variation ID: 647206). Studies have shown that disruption of this splice site results in skipping of exon 7 and introduces a premature termination codon (PMID: 32325837; Invitae). The resulting mRNA is expected to undergo nonsense-mediated decay. For these reasons, this variant has been classified as Pathogenic.

Literature cited by the submitters: PubMed 32325837 (cited by Ambry Genetics and Labcorp Genetics (formerly Invitae), Labcorp).

NM_015450.3(POT1):c.255+1G>A

Gene: POT1 (protection of telomeres 1; minus strand). Cytogenetic location: 7q31.33.
Variant type: single nucleotide variant.
Coding change: c.255+1G>A on transcript NM_015450.3 (MANE Select); the canonical splice donor site of the intron after coding-DNA position 255, G replaced by A.
Molecular consequence: splice donor variant. On other transcripts: intron variant (1).
Genome position (GRCh38, 1-based): chr7:124,870,910, C>T on the plus strand (G>A on the coding strand, the complement: POT1 is on the minus strand). VCF-style: chr7-124870910-C-T. GRCh37 (hg19) VCF-style: chr7-124510964-C-T.
Other names: c.-138-7270G>A (NM_001042594.2).
Identifiers: ClinVar variation 647206 (VCV000647206.11), dbSNP rs1584777699, ClinGen allele CA369061241.